The following is an entry in ClinVar:

ClinVar aggregate classification (germline): Benign/Likely benign. Review status: criteria provided, multiple submitters, no conflicts (2 of 4 stars). 2 submissions from 2 submitters: Benign (1); Likely benign (1). Last evaluated 2024-08-04.

Allele frequency attached by ClinVar (database versions not stated): gnomAD exomes 0.00001 and 0.00003; TOPMed 0.00002; ExAC 0.00003.
gnomAD v4.1: 12 of 1,613,098 alleles (0.00074%); highest among the groups gnomAD compares: South Asian, 0.0044%; no homozygotes.

Submissions (2):

Labcorp Genetics (formerly Invitae), Labcorp
Classification: Benign. Last evaluated: 2024-08-04. Review status: criteria provided, single submitter. Criteria: Invitae Variant Classification Sherloc (09022015). Collection method: clinical testing. Allele origin: germline.

GeneDx
Classification: Likely benign. Last evaluated: 2017-11-30. Review status: criteria provided, single submitter. Criteria: GeneDx Variant Classification (06012015). Collection method: clinical testing. Allele origin: germline. Affected: yes.
Comment: This variant is considered likely benign or benign based on one or more of the following criteria: it is a conservative change, it occurs at a poorly conserved position in the protein, it is predicted to be benign by multiple in silico algorithms, and/or has population frequency not consistent with disease.

NM_032119.4(ADGRV1):c.12516C>T (p.Thr4172=)

Gene: ADGRV1 (adhesion G protein-coupled receptor V1; plus strand). Cytogenetic location: 5q14.3.
Variant type: single nucleotide variant.
Coding change: c.12516C>T on transcript NM_032119.4 (MANE Select); coding-DNA position 12516, C replaced by T.
Protein change: p.Thr4172=; no amino-acid change (threonine 4172 retained).
Molecular consequence: synonymous variant. On other transcripts: non-coding transcript variant (1).
Genome position (GRCh38, 1-based): chr5:90,776,565, C>T. VCF-style: chr5-90776565-C-T. GRCh37 (hg19) VCF-style: chr5-90072382-C-T.
Identifiers: ClinVar variation 513401 (VCV000513401.4), dbSNP rs776057320, ClinGen allele CA3341262.